The following is an entry in ClinVar:

NM_001139.3(ALOX12B):c.67T>C (p.Ser23Pro)

Gene: ALOX12B (arachidonate 12-lipoxygenase, 12R type; minus strand). Cytogenetic location: 17p13.1.
Variant type: single nucleotide variant.
Coding change: c.67T>C on transcript NM_001139.3 (MANE Select); coding-DNA position 67, T replaced by C.
Protein change: p.Ser23Pro; replaces serine 23 with proline.
Molecular consequence: missense variant.
Genome position (GRCh38, 1-based): chr17:8,087,376, A>G on the plus strand (T>C on the coding strand, the complement: ALOX12B is on the minus strand). VCF-style: chr17-8087376-A-G. GRCh37 (hg19) VCF-style: chr17-7990694-A-G.
Other names: short protein forms S23P.
Identifiers: ClinVar variation 995771 (VCV000995771.3), dbSNP rs1978304974, ClinGen allele CA398000747.
Genomic context (GRCh38, chr17:8,087,376, plus strand): 5'-TCCCAAAGTGGTTCAGCAGCTGCTTATGGCTCTCTCCTTGTGTCCCCACAATGGTCAGTG[A>G]GATGGAGTCCCGTGTTCCCGACAAGAGGTCGGTGCCTGTGGCCACCCTGACTTTGTAGGT-3'
Protein context (NP_001130.1, residues 13-33): DLLSGTRDSI[Ser23Pro]LTIVGTQGES

ClinVar aggregate classification (germline): Uncertain significance. Review status: criteria provided, single submitter (1 of 4 stars). 2 submissions from 2 submitters: Uncertain significance (1). 1 of the submissions does not count toward it. Last evaluated 2026-05-26.

Conditions:
Autosomal recessive congenital ichthyosis 2 (ARCI2). Identifiers: Orphanet 281122, Orphanet 79394, MedGen C3888093, MONDO:0009439, OMIM 242100.

Allele frequency attached by ClinVar (database versions not stated): TOPMed below 0.00001.

Submissions (2):

Women's Health and Genetics/Laboratory Corporation of America, LabCorp
Classification: Uncertain significance. Last evaluated: 2026-05-26. Review status: criteria provided, single submitter. Criteria: LabCorp Variant Classification Summary - May 2015. Collection method: clinical testing. Allele origin: germline.
Comment: Variant summary: ALOX12B c.67T>C (p.Ser23Pro) results in a non-conservative amino acid change in the encoded protein sequence. Algorithms developed to predict the effect of missense changes on protein structure and function all suggest that this variant is likely to be disruptive. The variant was absent in 251492 control chromosomes. The available data on variant occurrences in the general population are insufficient to allow any conclusion about variant significance. c.67T>C has been observed in the presumed compound heterozygous state in at least 1 individual(s) affected with ALOX12B-related conditions (example, Hotz_2021). These data do not allow any conclusion about variant significance. To our knowledge, no experimental evidence demonstrating an impact on protein function has been reported. The following publication has been ascertained in the context of this evaluation (PMID: 33435499). ClinVar contains an entry for this variant (Variation ID: 995771). Based on the evidence outlined above, the variant was classified as uncertain significance.

Institute for Human Genetics, University Medical Center Freiburg
Classification: Pathogenic for Autosomal recessive congenital ichthyosis 2. Last evaluated: 2021-01-07. Review status: no assertion criteria provided. Collection method: clinical testing. Allele origin: unknown. Affected: yes. Not counted in ClinVar's aggregate classification.

Literature cited by the submitters: PubMed 33435499 (cited by Women's Health and Genetics/Laboratory Corporation of America, LabCorp).